The following is an entry in ClinVar:

Conditions:
Long QT syndrome 5 (LQT5). Identifiers: Orphanet 101016, Orphanet 768, MedGen C1867904, MONDO:0013372, OMIM 613695.

Submission:

Roden Lab, Vanderbilt University Medical Center
No classification provided (evidence only). Condition: Long QT syndrome 5. Review status: no classification provided. Collection method: in vitro. Allele origin: not applicable. Functional consequence: Effect on ion channel function.
ClinVar note: "not provided" was previously submitted as the classification for the variant. However, the classification appeared to be based only on an observation of functional data so it was converted to no classification on 2025-07-30.

NM_000219.6(KCNE1):c.355A>C (p.Asn119His)

Gene: KCNE1 (potassium voltage-gated channel subfamily E regulatory subunit 1; minus strand). Cytogenetic location: 21q22.12.
Variant type: single nucleotide variant.
Coding change: c.355A>C on transcript NM_000219.6 (MANE Select); coding-DNA position 355, A replaced by C.
Protein change: p.Asn119His; replaces asparagine 119 with histidine.
Molecular consequence: missense variant.
Genome position (GRCh38, 1-based): chr21:34,449,280, T>G on the plus strand (A>C on the coding strand, the complement: KCNE1 is on the minus strand). VCF-style: chr21-34449280-T-G. GRCh37 (hg19) VCF-style: chr21-35821578-T-G.
Other names: c.355A>C, p.Asn119His (NM_001127668.4, NM_001127669.4, NM_001127670.4 and 4 more transcripts); short protein forms N119H.
Identifiers: ClinVar variation 3373794 (VCV003373794.2).